The following is an entry in ClinVar:

ClinVar aggregate classification (germline): Uncertain significance (1 of 4 stars; one submission).

Conditions:
CPE-related disorder. Also called: CPE-related condition.

gnomAD v4.1: 6 of 1,614,022 alleles (0.00037%); highest among the groups gnomAD compares: East Asian, 0.011%; no homozygotes.

Submission:

PreventionGenetics, part of Exact Sciences
Classification: Uncertain significance for CPE-related condition. Last evaluated: 2024-12-31. Review status: criteria provided, single submitter. Criteria: ACMG Guidelines, 2015. Collection method: clinical testing. Allele origin: germline.
Comment: The CPE c.1034G>A variant is predicted to result in the amino acid substitution p.Cys345Tyr. To our knowledge, this variant has not been reported in the literature in individuals with BDV syndrome. This variant is reported in 0.040% of alleles in individuals of East Asian descent in gnomAD. At this time, the clinical significance of this variant is uncertain due to the absence of conclusive functional and genetic evidence.

NM_001873.4(CPE):c.1034G>A (p.Cys345Tyr)

Gene: CPE (carboxypeptidase E; plus strand). Cytogenetic location: 4q32.3.
Variant type: single nucleotide variant.
Coding change: c.1034G>A on transcript NM_001873.4 (MANE Select); coding-DNA position 1034, G replaced by A.
Protein change: p.Cys345Tyr; replaces cysteine 345 with tyrosine.
Molecular consequence: missense variant.
Genome position (GRCh38, 1-based): chr4:165,487,498, G>A. VCF-style: chr4-165487498-G-A. GRCh37 (hg19) VCF-style: chr4-166408650-G-A.
Other names: short protein forms C345Y.
Identifiers: ClinVar variation 4983691 (VCV004983691.1).
Genomic context (GRCh38, chr4:165,487,498, plus strand): 5'-GGATGCAAGACTTCAATTACCTTAGCAGCAACTGTTTTGAGATCACCGTGGAGCTTAGCT[G>A]TGAGAAGTTCCCACCTGAAGAGACTCTGAAGACCTACTGGGAGGATAACAAAAACTCCCT-3'
Protein context (NP_001864.1, residues 335-355): NCFEITVELS[Cys345Tyr]EKFPPEETLK